The following is an entry in ClinVar:

ClinVar aggregate classification (germline): Uncertain significance (1 of 4 stars; one submission).

Conditions:
Charcot-Marie-Tooth disease type 4. Also called: Charcot-Marie-Tooth disease, type IV; Charcot-Marie-Tooth, Type 4. Identifiers: Orphanet 64749, MedGen C4082197, MONDO:0018995.

Submission:

Labcorp Genetics (formerly Invitae), Labcorp
Classification: Uncertain significance for Charcot-Marie-Tooth disease type 4. Last evaluated: 2023-07-21. Review status: criteria provided, single submitter. Criteria: Invitae Variant Classification Sherloc (09022015). Collection method: clinical testing. Allele origin: germline.
Comment: In summary, the available evidence is currently insufficient to determine the role of this variant in disease. Therefore, it has been classified as a Variant of Uncertain Significance. Variants that disrupt the consensus splice site are a relatively common cause of aberrant splicing (PMID: 17576681, 9536098). Algorithms developed to predict the effect of sequence changes on RNA splicing suggest that this variant is not likely to affect RNA splicing. This variant has not been reported in the literature in individuals affected with SBF2-related conditions. This variant is not present in population databases (gnomAD no frequency). This sequence change falls in intron 24 of the SBF2 gene. It does not directly change the encoded amino acid sequence of the SBF2 protein. It affects a nucleotide within the consensus splice site.

Literature cited by the submitters: PubMed 17576681; PubMed 9536098.

NM_030962.4(SBF2):c.3110+4A>G

Genes: SBF2 (SET binding factor 2; minus strand), LOC101928008 (uncharacterized LOC101928008; plus strand). Cytogenetic location: 11p15.4.
Variant type: single nucleotide variant.
Coding change: c.3110+4A>G on transcript NM_030962.4 (MANE Select); 4 bases into the intron after coding-DNA position 3110, A replaced by G.
Molecular consequence: intron variant.
Genome position (GRCh38, 1-based): chr11:9,845,561, T>C on the plus strand (A>G on the coding strand, the complement: SBF2 is on the minus strand). VCF-style: chr11-9845561-T-C. GRCh37 (hg19) VCF-style: chr11-9867108-T-C.
Other names: c.3146+4A>G (NM_001424318.1); c.2981+4A>G (NM_001386342.1); c.3110+4A>G (NM_001386339.1).
Identifiers: ClinVar variation 2914326 (VCV002914326.3), dbSNP rs2494784773, ClinGen allele CA2739276229.
Genomic context (GRCh38, chr11:9,845,561, plus strand): 5'-AGGTTACTCCTTTTGCAATCAATTACGGGAGGGCTGAAATTAACAGACTTGTCTTTCTTC[T>C]TACCGAAAAGAAGTGTTCTTTTCCTTCTGTTTTGGTAAAATTATTTGTGGGGTAGTTTGT-3'